The following is an entry in ClinVar:

NM_005006.7(NDUFS1):c.450_452del (p.Arg150del)

Gene: NDUFS1 (NADH:ubiquinone oxidoreductase core subunit S1; minus strand). Cytogenetic location: 2q33.3.
Variant type: Deletion.
Coding change: c.450_452del on transcript NM_005006.7 (MANE Select); coding-DNA positions 450 to 452, 3 bases deleted (GAG; older notation c.450_452delGAG).
Protein change: p.Arg150del; deletes arginine 150.
Molecular consequence: inframe deletion.
Genome position (GRCh38, 1-based): chr2:206,147,630-206,147,632, CTC deleted on the plus strand (GAG on the coding strand, the reverse complement: NDUFS1 is on the minus strand); deleting any 3 consecutive bases within chr2:206,147,630-206,147,634 gives the same sequence; the c. name uses the placement nearest the transcript's 3' end. VCF-style (leftmost placement, unchanged base first): chr2-206147629-GCTC-G. GRCh37 (hg19) VCF-style: chr2-207012353-GCTC-G.
Other names: c.342_344del, p.Arg114del (NM_001199981.2); c.117_119del, p.Arg39del (NM_001199982.2); c.279_281del, p.Arg93del (NM_001199983.2); c.492_494del, p.Arg164del (NM_001199984.2); short protein forms R114del, R150del, R164del, R39del, R93del.
Identifiers: ClinVar variation 4857696 (VCV004857696.1).

ClinVar aggregate classification (germline): Likely pathogenic (1 of 4 stars; one submission).

Conditions:
Mitochondrial complex I deficiency, nuclear type 5. Also called: Mitochondrial complex 1 deficiency, nuclear type 5. Identifiers: MedGen C4748754, MONDO:0032610, OMIM 618226.

Submission:

Neurogenetics Laboratory, American University of Beirut
Classification: Likely pathogenic for Mitochondrial complex I deficiency, nuclear type 5. Last evaluated: 2026-04-23. Review status: criteria provided, single submitter. Criteria: ACMG Guidelines, 2015. Collection method: clinical testing. Allele origin: paternal, maternal. Affected: yes. Observed: 2 variant alleles, 2 compound heterozygotes. Clinical features observed: Sensory axonal neuropathy, Motor axonal neuropathy, Limb muscle weakness.
Comment: The NM_005006.7:c.450_452del (p.Arg150del) is an in-frame 3-bases deletion that results in a change in protein length, with arginine at codon 150 deleted. The variant has an extremely low frequency in gnomAD databases, and affected amino acid is highly conserved among species. The variant is classified as likely pathogenic (PM2+PM3+PM4).